The following is an entry in ClinVar:

ClinVar aggregate classification (germline): Uncertain significance. Review status: criteria provided, multiple submitters, no conflicts (2 of 4 stars). 7 submissions from 7 submitters: Uncertain significance (5). 2 of the submissions do not count toward it. Last evaluated 2026-04-01.

Conditions:
Inflammatory bowel disease 28. Also called: Inflammatory bowel disease 28, early onset, autosomal recessive. Identifiers: Orphanet 238569, MedGen C2751053, MONDO:0013153, OMIM 613148.
Inborn genetic diseases. Identifiers: MedGen C0950123, MeSH D030342.

Allele frequency attached by ClinVar (database versions not stated): ExAC 0.00015; TOPMed 0.00015; 1000 Genomes Project 30x 0.00016; gnomAD exomes 0.00016; 1000 Genomes Project 0.00020; gnomAD 0.00024; ESP Exome Variant Server 0.00031.

Submissions (7):

CeGaT Center for Human Genetics Tuebingen
Classification: Uncertain significance. Last evaluated: 2026-04-01. Review status: criteria provided, single submitter. Criteria: CeGaT Center For Human Genetics Tuebingen Variant Classification Criteria Version 2. Collection method: clinical testing. Allele origin: germline. Affected: yes. Observed: 1 variant allele.
Comment: IL10RA: PM2, BP4

Ambry Genetics
Classification: Uncertain significance for Inborn genetic diseases. Last evaluated: 2024-10-04. Review status: criteria provided, single submitter. Criteria: Ambry Variant Classification Scheme 2023. Collection method: clinical testing. Allele origin: germline.

Labcorp Genetics (formerly Invitae), Labcorp
Classification: Uncertain significance for Inflammatory bowel disease 28. Last evaluated: 2022-10-22. Review status: criteria provided, single submitter. Criteria: Invitae Variant Classification Sherloc (09022015). Collection method: clinical testing. Allele origin: germline.
Comment: This sequence change replaces proline, which is neutral and non-polar, with serine, which is neutral and polar, at codon 295 of the IL10RA protein (p.Pro295Ser). This variant is present in population databases (rs201777547, gnomAD 0.04%). This variant has not been reported in the literature in individuals affected with IL10RA-related conditions. ClinVar contains an entry for this variant (Variation ID: 657210). Advanced modeling of protein sequence and biophysical properties (such as structural, functional, and spatial information, amino acid conservation, physicochemical variation, residue mobility, and thermodynamic stability) performed at Invitae indicates that this missense variant is not expected to disrupt IL10RA protein function. In summary, the available evidence is currently insufficient to determine the role of this variant in disease. Therefore, it has been classified as a Variant of Uncertain Significance.

Revvity Omics, Revvity
Classification: Uncertain significance for Inflammatory bowel disease 28. Last evaluated: 2022-02-05. Review status: criteria provided, single submitter. Criteria: ACMG Guidelines, 2015. Collection method: clinical testing. Allele origin: germline.

Illumina Laboratory Services, Illumina
Classification: Uncertain significance for Inflammatory bowel disease 28. Last evaluated: 2018-01-13. Review status: criteria provided, single submitter. Criteria: ICSL Variant Classification Criteria 13 December 2019. Collection method: clinical testing. Allele origin: germline.

Clinical Genetics DNA and cytogenetics Diagnostics Lab, Erasmus MC, Erasmus Medical Center
Classification: Likely benign. Review status: no assertion criteria provided. Collection method: clinical testing. Allele origin: germline. Affected: yes. Study: VKGL Data-share Consensus. Not counted in ClinVar's aggregate classification.

Genome Diagnostics Laboratory, University Medical Center Utrecht
Classification: Likely benign. Review status: no assertion criteria provided. Collection method: clinical testing. Allele origin: germline. Affected: yes. Study: VKGL Data-share Consensus. Not counted in ClinVar's aggregate classification.

NM_001558.4(IL10RA):c.883C>T (p.Pro295Ser)

Gene: IL10RA (interleukin 10 receptor subunit alpha; plus strand). Cytogenetic location: 11q23.3.
Variant type: single nucleotide variant.
Coding change: c.883C>T on transcript NM_001558.4 (MANE Select); coding-DNA position 883, C replaced by T.
Protein change: p.Pro295Ser; replaces proline 295 with serine.
Molecular consequence: missense variant. On other transcripts: non-coding transcript variant (1).
Genome position (GRCh38, 1-based): chr11:117,998,787, C>T. VCF-style: chr11-117998787-C-T. GRCh37 (hg19) VCF-style: chr11-117869502-C-T.
Other names: short protein forms P295S.
Identifiers: ClinVar variation 657210 (VCV000657210.17), dbSNP rs201777547, ClinGen allele CA6299083.
Genomic context (GRCh38, chr11:117,998,787, plus strand): 5'-CCCAGCCCCTTCATCTTCATCAGCCAGCGTCCCTCCCCAGAGACCCAAGACACCATCCAC[C>T]CGCTTGATGAGGAGGCCTTTTTGAAGGTGTCCCCAGAGCTGAAGAACTTGGACCTGCACG-3'
Protein context (NP_001549.2, residues 285-305): PSPETQDTIH[Pro295Ser]LDEEAFLKVS